The following is an entry in ClinVar:

ClinVar aggregate classification (germline): Uncertain significance (1 of 4 stars; one submission).

Conditions:
Long QT syndrome (LQTS). Identifiers: MedGen C0023976, MeSH D008133, MONDO:0002442. Disease mechanism: loss of function. Inheritance: Various modes of inheritance.

Allele frequency attached by ClinVar (database versions not stated): gnomAD exomes 0.00001.
gnomAD v4.1: 13 of 1,610,212 alleles (0.00081%); highest among the groups gnomAD compares: Non-Finnish European, 0.0011%; no homozygotes.

Submission:

Labcorp Genetics (formerly Invitae), Labcorp
Classification: Uncertain significance for Long QT syndrome. Last evaluated: 2024-02-05. Review status: criteria provided, single submitter. Criteria: Invitae Variant Classification Sherloc (09022015). Collection method: clinical testing. Allele origin: germline.
Comment: This sequence change replaces alanine, which is neutral and non-polar, with serine, which is neutral and polar, at codon 57 of the KCNH2 protein (p.Ala57Ser). This variant is not present in population databases (gnomAD no frequency). This variant has not been reported in the literature in individuals affected with KCNH2-related conditions. An algorithm developed to predict the effect of missense changes on protein structure and function (PolyPhen-2) suggests that this variant is likely to be tolerated. In summary, the available evidence is currently insufficient to determine the role of this variant in disease. Therefore, it has been classified as a Variant of Uncertain Significance.

NM_000238.4(KCNH2):c.169G>T (p.Ala57Ser)

Gene: KCNH2 (potassium voltage-gated channel subfamily H member 2; minus strand). Cytogenetic location: 7q36.1.
Variant type: single nucleotide variant.
Coding change: c.169G>T on transcript NM_000238.4 (MANE Select); coding-DNA position 169, G replaced by T.
Protein change: p.Ala57Ser; replaces alanine 57 with serine.
Molecular consequence: missense variant. On other transcripts: 5 prime UTR variant (1), non-coding transcript variant (1).
Genome position (GRCh38, 1-based): chr7:150,974,849, C>A on the plus strand (G>T on the coding strand, the complement: KCNH2 is on the minus strand). VCF-style: chr7-150974849-C-A. GRCh37 (hg19) VCF-style: chr7-150671937-C-A.
Other names: c.-9G>T (NM_001406755.1); c.169G>T, p.Ala57Ser (NM_172056.3); short protein forms A57S.
Identifiers: ClinVar variation 2751678 (VCV002751678.3), dbSNP rs199472846, ClinGen allele CA369865754.
Genomic context (GRCh38, chr7:150,974,849, plus strand): 5'-GGCGCTGCGTGCGCGGCCCGTGCAGGAAGTCGCAGGTGCAGGGTCGCTGCATCACCTCGG[C>A]CCGCGAGTAGCCGCACAGCTCGCAGAAGCCGTCGTTGCAGTAGATGACGGCGCAGTTCTC-3'
Protein context (NP_000229.1, residues 47-67): GFCELCGYSR[Ala57Ser]EVMQRPCTCD